The following is an entry in ClinVar:

NM_000552.5(VWF):c.1648G>C (p.Gly550Arg)

Gene: VWF (von Willebrand factor; minus strand). Cytogenetic location: 12p13.31.
Variant type: single nucleotide variant.
Coding change: c.1648G>C on transcript NM_000552.5 (MANE Select); coding-DNA position 1648, G replaced by C.
Protein change: p.Gly550Arg; replaces glycine 550 with arginine.
Molecular consequence: missense variant.
Genome position (GRCh38, 1-based): chr12:6,057,930, C>G on the plus strand (G>C on the coding strand, the complement: VWF is on the minus strand). VCF-style: chr12-6057930-C-G. GRCh37 (hg19) VCF-style: chr12-6167096-C-G.
Other names: short protein forms G550R.
Identifiers: ClinVar variation 3374830 (VCV003374830.1).
Genomic context (GRCh38, chr12:6,057,930, plus strand): 5'-AGGGATCGCTGTGCTGCTTCTGCAGGTCCTGGCAGTCCCCGTGCAGCTTCCAGGCGTTCC[C>G]GAAGTCCTCCACCCGGGGCTCCGCCAGCCCAGAGGGGGTAAGGAAGTCGTCGCCCTGGTT-3'
Protein context (NP_000543.3, residues 540-560): GLAEPRVEDF[Gly550Arg]NAWKLHGDCQ

ClinVar aggregate classification (germline): Uncertain significance (1 of 4 stars; one submission).

Submission:

Women's Health and Genetics/Laboratory Corporation of America, LabCorp
Classification: Uncertain significance. Last evaluated: 2024-09-13. Review status: criteria provided, single submitter. Criteria: LabCorp Variant Classification Summary - May 2015. Collection method: clinical testing. Allele origin: germline.
Comment: Variant summary: VWF c.1648G>C (p.Gly550Arg) results in a non-conservative amino acid change located in the von Willebrand factor, type D domain (IPR001846) of the encoded protein sequence. Five of five in-silico tools predict a damaging effect of the variant on protein function. The variant was absent in 250542 control chromosomes. The available data on variant occurrences in the general population are insufficient to allow any conclusion about variant significance. c.1648G>C has been reported in the literature in at least one individual affected with Von Willebrand Disease (e.g. Federici_2004). These data do not allow any conclusion about variant significance. To our knowledge, no experimental evidence demonstrating an impact on protein function has been reported. The following publications have been ascertained in the context of this evaluation (PMID: 14630825, 26986123). No submitters have cited clinical-significance assessments for this variant to ClinVar. Based on the evidence outlined above, the variant was classified as uncertain significance.

Literature cited by the submitters: PubMed 26986123; PubMed 14630825.